The following is an entry in ClinVar:

NM_032208.3(ANTXR1):c.951+1_951+2del

Gene: ANTXR1 (ANTXR cell adhesion molecule 1; plus strand). Cytogenetic location: 2p13.3.
Variant type: Microsatellite.
Coding change: c.951+1_951+2del on transcript NM_032208.3 (MANE Select); the canonical splice donor site of the intron after coding-DNA position 951, 2 bases deleted (GT; older notation c.951+1_951+2delGT).
Molecular consequence: splice donor variant.
Genome position (GRCh38, 1-based): chr2:69,124,644-69,124,645, GT deleted; deleting any 2 consecutive bases within chr2:69,124,641-69,124,645 gives the same sequence; the c. name uses the placement nearest the transcript's 3' end. VCF-style (leftmost placement, unchanged base first): chr2-69124640-CTG-C. GRCh37 (hg19) VCF-style: chr2-69351772-CTG-C.
Other names: c.951+1_951+2del (NM_053034.2, NM_018153.3, NM_001410840.1).
Identifiers: ClinVar variation 3898049 (VCV003898049.1).

ClinVar aggregate classification (germline): Likely pathogenic (1 of 4 stars; one submission).

Conditions:
GAPO syndrome. Identifiers: Orphanet 2067, MedGen C0406723, MONDO:0009263, OMIM 230740.

Submission:

Neuberg Centre For Genomic Medicine, NCGM
Classification: Likely pathogenic for GAPO syndrome. Last evaluated: 2024-02-01. Review status: criteria provided, single submitter. Criteria: ACMG Guidelines, 2015. Collection method: clinical testing. Allele origin: germline. Inheritance: Autosomal recessive inheritance.
Comment: The above variant adjacent to the splice region in the ANTXR1 gene has not been reported previously as a pathogenic variant nor as a benign variant, to our knowledge. Loss of function variants in ANTXR1 gene have been previously reported to be disease causing (Balakrishnan S, et al., 2024). Additional functional studies will be required to prove the pathogenicity of this variant. For these reasons, this variant has been classified as Likely Pathogenic.